The following is an entry in ClinVar:

ClinVar aggregate classification (germline): Benign. Review status: criteria provided, multiple submitters, no conflicts (2 of 4 stars). 5 submissions from 5 submitters: Benign (2). 3 of the submissions do not count toward it. Last evaluated 2026-01-21.

Conditions:
IGSF1-related disorder. Also called: IGSF1-related condition.

Allele frequency attached by ClinVar (database versions not stated): 1000 Genomes Project 30x 0.00146; 1000 Genomes Project 0.00185; TOPMed 0.00377; ESP Exome Variant Server 0.00540; gnomAD 0.00666 and 0.00694; ExAC 0.00741; gnomAD exomes 0.00794 and 0.00848.
gnomAD v4.1: 9,396 of 1,209,952 alleles (0.78%); highest among the groups gnomAD compares: Non-Finnish European, 0.75%; 55 homozygotes.

Submissions (5):

Labcorp Genetics (formerly Invitae), Labcorp
Classification: Benign. Last evaluated: 2026-01-21. Review status: criteria provided, single submitter. Criteria: Invitae Variant Classification Sherloc (09022015). Collection method: clinical testing. Allele origin: germline.

Breakthrough Genomics
Classification: Benign. Review status: criteria provided, single submitter. Criteria: ACMG Guidelines, 2015. Collection method: not provided. Allele origin: germline. Inheritance: X-linked inheritance. Affected: yes.

PreventionGenetics, part of Exact Sciences
Classification: Benign for IGSF1-related condition. Last evaluated: 2019-05-13. Review status: no assertion criteria provided. Collection method: clinical testing. Allele origin: germline. Not counted in ClinVar's aggregate classification.
Comment: This variant is classified as benign based on ACMG/AMP sequence variant interpretation guidelines (Richards et al. 2015 PMID: 25741868, with internal and published modifications).

Clinical Genetics, Academic Medical Center
Classification: Likely benign. Review status: no assertion criteria provided. Collection method: clinical testing. Allele origin: germline. Affected: yes. Study: VKGL Data-share Consensus. Not counted in ClinVar's aggregate classification.

Laboratory of Diagnostic Genome Analysis, Leiden University Medical Center (LUMC)
Classification: Likely benign. Review status: no assertion criteria provided. Collection method: clinical testing. Allele origin: germline. Affected: yes. Study: VKGL Data-share Consensus. Not counted in ClinVar's aggregate classification.

NM_001555.5(IGSF1):c.2939T>C (p.Val980Ala)

Gene: IGSF1 (immunoglobulin superfamily member 1; minus strand). Cytogenetic location: Xq26.1.
Variant type: single nucleotide variant.
Coding change: c.2939T>C on transcript NM_001555.5 (MANE Select); coding-DNA position 2939, T replaced by C.
Protein change: p.Val980Ala; replaces valine 980 with alanine.
Molecular consequence: missense variant.
Genome position (GRCh38, 1-based): chrX:131,275,723, A>G on the plus strand (T>C on the coding strand, the complement: IGSF1 is on the minus strand). VCF-style: chrX-131275723-A-G. GRCh37 (hg19) VCF-style: chrX-130409697-A-G.
Other names: c.2954T>C, p.Val985Ala (NM_001170961.2); c.2912T>C, p.Val971Ala (NM_001170962.2); short protein forms V985A, V980A, V971A.
Identifiers: ClinVar variation 787729 (VCV000787729.11), dbSNP rs147496468, ClinGen allele CA10517720.
Genomic context (GRCh38, chrX:131,275,723, plus strand): 5'-TATCCTACTCCATGGACCGGCCCTCGGCACCAGAGAGTAACATTCTGCCCCATGGGAACC[A>G]CAGAACTGGGCTCAGCAAACAACCATGGCTTAGGGAATGTGTCTAGAAAGAGACCAAGGT-3'
Protein context (NP_001546.2, residues 970-990): KPWLFAEPSS[Val980Ala]VPMGQNVTLW